The following is an entry in ClinVar:

NM_001457.4(FLNB):c.541G>T (p.Gly181Cys)

Gene: FLNB (filamin B; plus strand). Cytogenetic location: 3p14.3.
Variant type: single nucleotide variant.
Coding change: c.541G>T on transcript NM_001457.4 (MANE Select); coding-DNA position 541, G replaced by T.
Protein change: p.Gly181Cys; replaces glycine 181 with cysteine.
Molecular consequence: missense variant.
Genome position (GRCh38, 1-based): chr3:58,077,294, G>T. VCF-style: chr3-58077294-G-T. GRCh37 (hg19) VCF-style: chr3-58063021-G-T.
Other names: c.541G>T, p.Gly181Cys (NM_001164317.2, NM_001164318.2, NM_001164319.2); short protein forms G181C.
Identifiers: ClinVar variation 4882188 (VCV004882188.2).

ClinVar aggregate classification (germline): Uncertain significance (1 of 4 stars; one submission).

Submission:

Dasa
Classification: Uncertain significance. Last evaluated: 2024-11-11. Review status: criteria provided, single submitter. Criteria: DASA Assertion Criteria. Collection method: clinical testing. Allele origin: germline.
Comment: NM_001457.4(FLNB):c.541G>T (p.Gly181Cys) is a missense variant that results in the substitution of glycine with cysteine. The affected residue or protein region has prior evidence supporting clinical relevance. This variant is absent from population databases. Computational prediction algorithms are consistent with a deleterious effect. The currently available literature and clinical evidence are not sufficient to establish a definitive association between this variant and the reported condition. Therefore, this variant is classified as a variant of uncertain significance.